The following is an entry in ClinVar:

NM_001458.5(FLNC):c.64C>T (p.Pro22Ser)

Gene: FLNC (filamin C; plus strand). Cytogenetic location: 7q32.1.
Variant type: single nucleotide variant.
Coding change: c.64C>T on transcript NM_001458.5 (MANE Select); coding-DNA position 64, C replaced by T.
Protein change: p.Pro22Ser; replaces proline 22 with serine.
Molecular consequence: missense variant.
Genome position (GRCh38, 1-based): chr7:128,830,701, C>T. VCF-style: chr7-128830701-C-T. GRCh37 (hg19) VCF-style: chr7-128470755-C-T.
Other names: c.64C>T, p.Pro22Ser (NM_001127487.2); short protein forms P22S.
Identifiers: ClinVar variation 659374 (VCV000659374.12), dbSNP rs368812043, ClinGen allele CA4473958.
Genomic context (GRCh38, chr7:128,830,701, plus strand): 5'-ATGAACAACAGCGGCTACTCAGACGCCGGCCTCGGCCTGGGCGATGAGACAGACGAGATG[C>T]CGTCCACGGAGAAGGACCTGGCGGAGGACGCGCCGTGGAAGAAGATCCAGCAGAACACAT-3'
Protein context (NP_001449.3, residues 12-32): LGLGDETDEM[Pro22Ser]STEKDLAEDA

ClinVar aggregate classification (germline): Conflicting classifications of pathogenicity. Review status: criteria provided, conflicting classifications (1 of 4 stars). 3 submissions from 3 submitters: Uncertain significance (2); Likely benign (1). Last evaluated 2025-07-22.

Conditions:
Cardiovascular phenotype. Identifiers: MedGen CN230736.
Hypertrophic cardiomyopathy 26. Also called: Cardiomyopathy, familial hypertrophic, 26. Identifiers: Orphanet 75249, MedGen C4310749, MONDO:0014883, OMIM 617047.
Myofibrillar myopathy 5. Also called: Filaminopathy (type); FILAMINOPATHY, AUTOSOMAL DOMINANT. Identifiers: Orphanet 171445, MedGen C1836050, MONDO:0012289, OMIM 609524.
Distal myopathy with posterior leg and anterior hand involvement. Also called: WILLIAMS DISTAL MYOPATHY. Identifiers: Orphanet 63273, MedGen C3279722, MONDO:0013550, OMIM 614065.

Allele frequency attached by ClinVar (database versions not stated): ExAC 0.00001; TOPMed 0.00004; gnomAD 0.00005; ESP Exome Variant Server 0.00008.
gnomAD v4.1: 12 of 1,612,808 alleles (0.00074%); highest among the groups gnomAD compares: African/African-American, 0.015%; no homozygotes.

Submissions (3):

Labcorp Genetics (formerly Invitae), Labcorp
Classification: Likely benign for Distal myopathy with posterior leg and anterior hand involvement; Myofibrillar myopathy 5; Hypertrophic cardiomyopathy 26. Last evaluated: 2025-07-22. Review status: criteria provided, single submitter. Criteria: Invitae Variant Classification Sherloc (09022015). Collection method: clinical testing. Allele origin: germline.

GeneDx
Classification: Uncertain significance. Last evaluated: 2024-03-06. Review status: criteria provided, single submitter. Criteria: GeneDx Variant Classification Process June 2021. Collection method: clinical testing. Allele origin: germline. Affected: yes.
Comment: Has not been previously published as pathogenic or benign to our knowledge; Not observed at significant frequency in large population cohorts (gnomAD); In silico analysis supports that this missense variant has a deleterious effect on protein structure/function

Ambry Genetics
Classification: Uncertain significance for Cardiovascular phenotype. Last evaluated: 2023-06-16. Review status: criteria provided, single submitter. Criteria: Ambry Variant Classification Scheme 2023. Collection method: clinical testing. Allele origin: germline.
Comment: The p.P22S variant (also known as c.64C>T), located in coding exon 1 of the FLNC gene, results from a C to T substitution at nucleotide position 64. The proline at codon 22 is replaced by serine, an amino acid with similar properties. This amino acid position is conserved. In addition, this alteration is predicted to be tolerated by in silico analysis. Since supporting evidence is limited at this time, the clinical significance of this alteration remains unclear.